The following is an entry in ClinVar:

ClinVar aggregate classification (germline): Uncertain significance. Review status: criteria provided, multiple submitters, no conflicts (2 of 4 stars). 3 submissions from 3 submitters: Uncertain significance (3). Last evaluated 2026-08-25.

Conditions:
Cardiovascular phenotype. Identifiers: MedGen CN230736.
Hypertrophic cardiomyopathy. Also called: HYPERTROPHIC MYOCARDIOPATHY. Identifiers: Orphanet 217569, MedGen C0007194, MeSH D002312, MONDO:0005045, HP:0001639.

Submissions (3):

GeneDx
Classification: Uncertain significance. Last evaluated: 2026-08-25. Review status: criteria provided, single submitter. Criteria: GeneDx Variant Classification Process June 2021. Collection method: clinical testing. Allele origin: germline.
Comment: Not observed at significant frequency in large population cohorts (gnomAD); In silico analysis suggests that this missense variant does not alter protein structure/function; This variant is associated with the following publications: (PMID: 37652022)

Labcorp Genetics (formerly Invitae), Labcorp
Classification: Uncertain significance for Hypertrophic cardiomyopathy. Last evaluated: 2024-12-02. Review status: criteria provided, single submitter. Criteria: Invitae Variant Classification Sherloc (09022015). Collection method: clinical testing. Allele origin: germline.
Comment: This sequence change replaces isoleucine, which is neutral and non-polar, with methionine, which is neutral and non-polar, at codon 172 of the TPM1 protein (p.Ile172Met). This variant is not present in population databases (gnomAD no frequency). This missense change has been observed in individual(s) with hypertrophic cardiomyopathy (PMID: 37652022). ClinVar contains an entry for this variant (Variation ID: 181665). An algorithm developed to predict the effect of missense changes on protein structure and function (PolyPhen-2) suggests that this variant is likely to be disruptive. In summary, the available evidence is currently insufficient to determine the role of this variant in disease. Therefore, it has been classified as a Variant of Uncertain Significance.

Ambry Genetics
Classification: Uncertain significance for Cardiovascular phenotype. Last evaluated: 2023-10-21. Review status: criteria provided, single submitter. Criteria: Ambry Variant Classification Scheme 2023. Collection method: clinical testing. Allele origin: germline.
Comment: The p.I172M variant (also known as c.516T>G), located in coding exon 5 of the TPM1 gene, results from a T to G substitution at nucleotide position 516. The isoleucine at codon 172 is replaced by methionine, an amino acid with highly similar properties. This amino acid position is highly conserved in available vertebrate species. In addition, this alteration is predicted to be deleterious by in silico analysis. Since supporting evidence is limited at this time, the clinical significance of this alteration remains unclear.

Literature cited by the submitters: PubMed 37652022 (cited by Labcorp Genetics (formerly Invitae), Labcorp); PubMed 12860912 (cited by Ambry Genetics).

NM_001018005.2(TPM1):c.516T>G (p.Ile172Met)

Gene: TPM1 (tropomyosin 1; plus strand). Cytogenetic location: 15q22.2.
Variant type: single nucleotide variant.
Coding change: c.516T>G on transcript NM_001018005.2 (MANE Select); coding-DNA position 516, T replaced by G.
Protein change: p.Ile172Met; replaces isoleucine 172 with methionine.
Molecular consequence: missense variant.
Genome position (GRCh38, 1-based): chr15:63,060,892, T>G. VCF-style: chr15-63060892-T-G. GRCh37 (hg19) VCF-style: chr15-63353091-T-G.
Other names: p.I172M:ATT>ATG; c.516T>G, p.Ile172Met (NM_000366.6, NM_001018004.2, NM_001018006.2 and 6 more transcripts); c.408T>G, p.Ile136Met (NM_001018008.2, NM_001301289.2, NM_001330344.2 and 5 more transcripts); c.642T>G, p.Ile214Met (NM_001365778.1); short protein forms I172M, I136M, I214M.
Identifiers: ClinVar variation 181665 (VCV000181665.8), dbSNP rs730881138, ClinGen allele CA018996.
Genomic context (GRCh38, chr15:63,060,892, plus strand): 5'-AGACCCATGGTGTGTGTGTTGTGTCTTCCTGCTGCAGGTGGCCCGTAAGCTGGTCATCAT[T>G]GAGAGCGACCTGGAACGTGCAGAGGAGCGGGCTGAGCTCTCAGAAGGGTAAGCGGGCCCG-3'
Protein context (NP_001018005.1, residues 162-182): YEEVARKLVI[Ile172Met]ESDLERAEER